The following is an entry in ClinVar:

NM_177438.3(DICER1):c.3631G>C (p.Val1211Leu)

Gene: DICER1 (dicer 1, ribonuclease III; minus strand). Cytogenetic location: 14q32.13.
Variant type: single nucleotide variant.
Coding change: c.3631G>C on transcript NM_177438.3 (MANE Select); coding-DNA position 3631, G replaced by C.
Protein change: p.Val1211Leu; replaces valine 1211 with leucine.
Molecular consequence: missense variant.
Genome position (GRCh38, 1-based): chr14:95,103,765, C>G on the plus strand (G>C on the coding strand, the complement: DICER1 is on the minus strand). VCF-style: chr14-95103765-C-G. GRCh37 (hg19) VCF-style: chr14-95570102-C-G.
Other names: c.3631G>C, p.Val1211Leu (NM_001195573.1, NM_001271282.3, NM_001291628.2 and 1 more transcripts); short protein forms V1211L.
Identifiers: ClinVar variation 412099 (VCV000412099.18), dbSNP rs764470378, ClinGen allele CA16614325.

ClinVar aggregate classification (germline): Uncertain significance. Review status: criteria provided, multiple submitters, no conflicts (2 of 4 stars). 5 submissions from 5 submitters: Uncertain significance (5). Last evaluated 2026-03-02.

Conditions:
DICER1-related disorder. Also called: DICER1-related condition.
Global developmental delay - lung cysts - overgrowth - Wilms tumor syndrome. Also called: GLOBAL DEVELOPMENTAL DELAY, LUNG CYSTS, OVERGROWTH, AND WILMS TUMOR; GLOW Syndrome. Identifiers: Orphanet 404476, MedGen C4748924, MONDO:0018445, OMIM 618272.
Euthyroid goiter (MNG1). Also called: MULTINODULAR GOITER, ADOLESCENT; Goiter, multinodular 1, with or without Sertoli-Leydig cell tumors; GOITER, NONTOXIC, WITH INTRATHYROIDAL CALCIFICATION; SIMPLE GOITER. Identifiers: Orphanet 276399, MedGen C0302859, MONDO:0007681, OMIM 138800, HP:0009798.
Pleuropulmonary blastoma (PPB). Identifiers: Orphanet 64742, MedGen C1266144, MONDO:0011014, OMIM 601200, HP:0100528.
Rhabdomyosarcoma, embryonal, 2 (RMSE2). Identifiers: MedGen C1867234, MONDO:0859046, OMIM 180295.
DICER1-related tumor predisposition. Also called: DICER1 syndrome; DICER1-related pleuropulmonary blastoma cancer predisposition syndrome. Identifiers: Orphanet 284343, MedGen C3839822, MONDO:0100216.
Hereditary cancer-predisposing syndrome. Also called: Neoplastic Syndromes, Hereditary; Tumor predisposition; Hereditary Cancer Syndrome; Hereditary neoplastic syndrome. Identifiers: Orphanet 140162, MedGen C0027672, MeSH D009386, MONDO:0015356.

gnomAD v4.1: 1 of 1,614,112 alleles (0.000062%); highest among the groups gnomAD compares: Admixed American, 0.0017%; no homozygotes.

Submissions (5):

PreventionGenetics, part of Exact Sciences
Classification: Uncertain significance for DICER1-related condition. Last evaluated: 2026-03-02. Review status: criteria provided, single submitter. Criteria: ACMG Guidelines, 2015. Collection method: clinical testing. Allele origin: germline.
Comment: The DICER1 c.3631G>C variant is predicted to result in the amino acid substitution p.Val1211Leu. To our knowledge, this variant has not been reported in the literature or in a large population database, indicating this variant is rare. This variant is reported as a variant of uncertain significance in ClinVar (Variation ID: 412099). At this time, the clinical significance of this variant is uncertain due to the absence of conclusive functional and genetic evidence.

Ambry Genetics
Classification: Uncertain significance for Hereditary cancer-predisposing syndrome. Last evaluated: 2025-01-12. Review status: criteria provided, single submitter. Criteria: Ambry Variant Classification Scheme 2023. Collection method: clinical testing. Allele origin: germline.
Comment: The p.V1211L variant (also known as c.3631G>C), located in coding exon 20 of the DICER1 gene, results from a G to C substitution at nucleotide position 3631. The valine at codon 1211 is replaced by leucine, an amino acid with highly similar properties. This amino acid position is not well conserved in available vertebrate species. In addition, this alteration is predicted to be tolerated by in silico analysis. Since supporting evidence is limited at this time, the clinical significance of this alteration remains unclear.

Labcorp Genetics (formerly Invitae), Labcorp
Classification: Uncertain significance for DICER1-related tumor predisposition. Last evaluated: 2024-11-22. Review status: criteria provided, single submitter. Criteria: Invitae Variant Classification Sherloc (09022015). Collection method: clinical testing. Allele origin: germline.
Comment: This sequence change replaces valine, which is neutral and non-polar, with leucine, which is neutral and non-polar, at codon 1211 of the DICER1 protein (p.Val1211Leu). This variant is not present in population databases (gnomAD no frequency). This variant has not been reported in the literature in individuals affected with DICER1-related conditions. ClinVar contains an entry for this variant (Variation ID: 412099). Invitae Evidence Modeling of protein sequence and biophysical properties (such as structural, functional, and spatial information, amino acid conservation, physicochemical variation, residue mobility, and thermodynamic stability) indicates that this missense variant is not expected to disrupt DICER1 protein function with a negative predictive value of 95%. In summary, the available evidence is currently insufficient to determine the role of this variant in disease. Therefore, it has been classified as a Variant of Uncertain Significance.

Fulgent Genetics
Classification: Uncertain significance for Euthyroid goiter; Rhabdomyosarcoma, embryonal, 2; Pleuropulmonary blastoma; Global developmental delay - lung cysts - overgrowth - Wilms tumor syndrome. Last evaluated: 2024-02-01. Review status: criteria provided, single submitter. Criteria: ACMG Guidelines, 2015. Collection method: clinical testing. Allele origin: germline.

Quest Diagnostics Nichols Institute San Juan Capistrano
Classification: Uncertain significance. Last evaluated: 2022-11-25. Review status: criteria provided, single submitter. Criteria: Quest Diagnostics criteria. Collection method: clinical testing. Allele origin: unknown.
Comment: The variant has not been reported in the published literature. It also has not been reported in large, multi-ethnic general populations. Analysis of this variant using bioinformatics tools for the prediction of the effect of amino acid changes on protein structure and function yielded predictions that this variant is benign. Based on the available information, we are unable to determine the clinical significance of this variant.